The following is an entry in ClinVar:

NM_001277115.2(DNAH11):c.5695A>G (p.Lys1899Glu)

Gene: DNAH11 (dynein axonemal heavy chain 11; plus strand). Cytogenetic location: 7p15.3.
Variant type: single nucleotide variant.
Coding change: c.5695A>G on transcript NM_001277115.2 (MANE Select); coding-DNA position 5695, A replaced by G.
Protein change: p.Lys1899Glu; replaces lysine 1899 with glutamic acid.
Molecular consequence: missense variant.
Genome position (GRCh38, 1-based): chr7:21,687,172, A>G. VCF-style: chr7-21687172-A-G. GRCh37 (hg19) VCF-style: chr7-21726790-A-G.
Other names: p.Lys1899Glu; NM_001277115.2(DNAH11):c.5695A>G; short protein forms K1899E.
Identifiers: ClinVar variation 807408 (VCV000807408.17), dbSNP rs1190944498, ClinGen allele CA366949354.

ClinVar aggregate classification (germline): Conflicting classifications of pathogenicity. Review status: criteria provided, conflicting classifications (1 of 4 stars). 6 submissions from 6 submitters: Pathogenic (1); Likely pathogenic (1); Uncertain significance (4). Last evaluated 2026-01-19.

Conditions:
Primary ciliary dyskinesia. Also called: Ciliary dyskinesia. Identifiers: Orphanet 244, MedGen C0008780, MONDO:0016575, HP:0012265.
Primary ciliary dyskinesia 7. Also called: CILIARY DYSKINESIA, PRIMARY, 7, WITH OR WITHOUT SITUS INVERSUS. Identifiers: Orphanet 244, MedGen C2678473, MONDO:0012748, OMIM 611884.

Allele frequency attached by ClinVar (database versions not stated): gnomAD exomes below 0.00001 and 0.00001; gnomAD 0.00001; TOPMed 0.00001.
gnomAD v4.1: 7 of 1,612,970 alleles (0.00043%); highest among the groups gnomAD compares: Non-Finnish European, 0.00059%; no homozygotes.

Submissions (6):

Labcorp Genetics (formerly Invitae), Labcorp
Classification: Pathogenic for Primary ciliary dyskinesia. Last evaluated: 2026-01-19. Review status: criteria provided, single submitter. Criteria: Invitae Variant Classification Sherloc (09022015). Collection method: clinical testing. Allele origin: germline.
Comment: This sequence change replaces lysine, which is basic and polar, with glutamic acid, which is acidic and polar, at codon 1899 of the DNAH11 protein (p.Lys1899Glu). This variant is present in population databases (no rsID available, gnomAD 0.002%). This missense change has been observed in individual(s) with primary ciliary dyskinesia (internal data). In at least one individual the data is consistent with being in trans (on the opposite chromosome) from a pathogenic variant. ClinVar contains an entry for this variant (Variation ID: 807408). Invitae Evidence Modeling of protein sequence and biophysical properties (such as structural, functional, and spatial information, amino acid conservation, physicochemical variation, residue mobility, and thermodynamic stability) indicates that this missense variant is expected to disrupt DNAH11 protein function with a positive predictive value of 95%. For these reasons, this variant has been classified as Pathogenic.

Broad Center for Mendelian Genomics, Broad Institute of MIT and Harvard
Classification: Uncertain significance for Primary ciliary dyskinesia 7. Last evaluated: 2025-02-14. Review status: criteria provided, single submitter. Criteria: ACMG Guidelines, 2015. Collection method: curation. Allele origin: germline. Inheritance: Autosomal recessive inheritance.
Comment: The p.Lys1899Glu variant in DNAH11 has not been previously reported in the literature in individuals with primary ciliary dyskinesia, but has been identified in 0.0006% (7/1179488) of European (non-Finnish) chromosomes by the Genome Aggregation Database (gnomAD; dbSNP rs1190944498). Although this variant has been seen in the general population in a heterozygous state, its frequency is low enough to be consistent with a recessive carrier frequency. This variant has also been reported in ClinVar (Variation ID: 807408) and has been interpreted as likely pathogenic/pathogenic by Institute of Human Genetics (Klinikum rechts der Isar) and Invitae, and as a variant of uncertain significance by GeneDx and Johns Hopkins Genomics (Johns Hopkins University). Computational prediction tools and conservation analyses suggest that this variant may impact the protein, though this information is not predictive enough to determine pathogenicity. In summary, the clinical significance of the p.Lys1899Glu variant is uncertain. ACMG/AMP criteria applied: PP3, PM2_supporting (Richards 2015).

Mayo Clinic Laboratories, Mayo Clinic
Classification: Uncertain significance. Last evaluated: 2024-06-17. Review status: criteria provided, single submitter. Criteria: ACMG Guidelines, 2015. Collection method: clinical testing. Allele origin: germline. Observed: 1 variant allele.

Johns Hopkins Genomics, Johns Hopkins University
Classification: Uncertain significance for Primary ciliary dyskinesia 7. Last evaluated: 2022-02-17. Review status: criteria provided, single submitter. Criteria: ACMG Guidelines, 2015. Collection method: clinical testing. Allele origin: germline.
Comment: This DNAH11 variant (rs1190944498) is rare (<0.1%) in a large population dataset (gnomAD: 2/247460 total alleles; 0.0008082%; no homozygotes). It has an entry in ClinVar (Variation ID: 807408) , but has not been reported in the literature, to our knowledge. Of two bioinformatics tools queried, both predict that the substitution would be damaging and the lysine residue at this position is evolutionarily conserved across most species assessed. We consider the clinical significance of DNAH11 c.5695A>G to be uncertain at this time.

GeneDx
Classification: Uncertain significance. Last evaluated: 2021-01-14. Review status: criteria provided, single submitter. Criteria: GeneDx Variant Classification Process June 2021. Collection method: clinical testing. Allele origin: germline. Affected: yes.
Comment: Not observed at a significant frequency in large population cohorts (Lek et al., 2016); In silico analysis supports that this missense variant has a deleterious effect on protein structure/function; Has not been previously published as pathogenic or benign to our knowledge

Institute of Human Genetics Munich, TUM University Hospital
Classification: Likely pathogenic for Primary ciliary dyskinesia 7. Last evaluated: 2020-01-16. Review status: criteria provided, single submitter. Criteria: Classification criteria August 2017. Collection method: clinical testing. Allele origin: germline. Inheritance: Autosomal recessive inheritance. Affected: yes. Observed: 1 compound heterozygote.

Literature cited by the submitters: PubMed 22184204 (cited by Johns Hopkins Genomics, Johns Hopkins University).